The following is an entry in ClinVar:

NM_005051.3(QARS1):c.1099G>A (p.Gly367Ser)

Gene: QARS1 (glutaminyl-tRNA synthetase 1; minus strand). Cytogenetic location: 3p21.31.
Variant type: single nucleotide variant.
Coding change: c.1099G>A on transcript NM_005051.3 (MANE Select); coding-DNA position 1099, G replaced by A.
Protein change: p.Gly367Ser; replaces glycine 367 with serine.
Molecular consequence: missense variant. On other transcripts: non-coding transcript variant (1).
Genome position (GRCh38, 1-based): chr3:49,100,255, C>T on the plus strand (G>A on the coding strand, the complement: QARS1 is on the minus strand). VCF-style: chr3-49100255-C-T. GRCh37 (hg19) VCF-style: chr3-49137688-C-T.
Other names: c.1066G>A, p.Gly356Ser (NM_001272073.2); short protein forms G356S, G367S.
Identifiers: ClinVar variation 2054057 (VCV002054057.4), dbSNP rs2471851379, ClinGen allele CA352710503.

ClinVar aggregate classification (germline): Uncertain significance (1 of 4 stars; one submission).

Conditions:
Diffuse cerebral and cerebellar atrophy - intractable seizures - progressive microcephaly syndrome. Also called: Microcephaly, progressive, with seizures and cerebral and cerebellar atrophy. Identifiers: Orphanet 404437, MedGen C4014239, MONDO:0014335, OMIM 615760.

Submission:

Labcorp Genetics (formerly Invitae), Labcorp
Classification: Uncertain significance for Diffuse cerebral and cerebellar atrophy - intractable seizures - progressive microcephaly syndrome. Last evaluated: 2024-02-24. Review status: criteria provided, single submitter. Criteria: Invitae Variant Classification Sherloc (09022015). Collection method: clinical testing. Allele origin: germline.
Comment: This sequence change replaces glycine, which is neutral and non-polar, with serine, which is neutral and polar, at codon 367 of the QARS protein (p.Gly367Ser). This variant is not present in population databases (gnomAD no frequency). This variant has not been reported in the literature in individuals affected with QARS-related conditions. ClinVar contains an entry for this variant (Variation ID: 2054057). Advanced modeling of protein sequence and biophysical properties (such as structural, functional, and spatial information, amino acid conservation, physicochemical variation, residue mobility, and thermodynamic stability) has been performed at Invitae for this missense variant, however the output from this modeling did not meet the statistical confidence thresholds required to predict the impact of this variant on QARS protein function. In summary, the available evidence is currently insufficient to determine the role of this variant in disease. Therefore, it has been classified as a Variant of Uncertain Significance.